The following is an entry in ClinVar:

NM_003240.5(LEFTY2):c.492C>T (p.Asp164=)

Gene: LEFTY2 (left-right determination factor 2; minus strand). Cytogenetic location: 1q42.12.
Variant type: single nucleotide variant.
Coding change: c.492C>T on transcript NM_003240.5 (MANE Select); coding-DNA position 492, C replaced by T.
Protein change: p.Asp164=; no amino-acid change (aspartic acid 164 retained).
Molecular consequence: synonymous variant.
Genome position (GRCh38, 1-based): chr1:225,939,761, G>A on the plus strand (C>T on the coding strand, the complement: LEFTY2 is on the minus strand). VCF-style: chr1-225939761-G-A. GRCh37 (hg19) VCF-style: chr1-226127461-G-A.
Other names: c.390C>T, p.Asp130= (NM_001172425.3).
Identifiers: ClinVar variation 3031603 (VCV003031603.2), dbSNP rs780037300, ClinGen allele CA1420587.

ClinVar aggregate classification (germline): Likely benign (0 of 4 stars; one submission).

Conditions:
LEFTY2-related disorder. Also called: LEFTY2-related condition.

Allele frequency attached by ClinVar (database versions not stated): gnomAD exomes 0.00001; TOPMed 0.00002; ExAC 0.00004.

Submission:

PreventionGenetics, part of Exact Sciences
Classification: Likely benign for LEFTY2-related condition. Last evaluated: 2022-07-13. Review status: no assertion criteria provided. Collection method: clinical testing. Allele origin: germline.
Comment: This variant is classified as likely benign based on ACMG/AMP sequence variant interpretation guidelines (Richards et al. 2015 PMID: 25741868, with internal and published modifications).